The following is an entry in ClinVar:

NM_000278.5(PAX2):c.344G>C (p.Arg115Pro)

Gene: PAX2 (paired box 2; plus strand). Cytogenetic location: 10q24.31.
Variant type: single nucleotide variant.
Coding change: c.344G>C on transcript NM_000278.5 (MANE Select); coding-DNA position 344, G replaced by C.
Protein change: p.Arg115Pro; replaces arginine 115 with proline.
Molecular consequence: missense variant.
Genome position (GRCh38, 1-based): chr10:100,750,825, G>C. VCF-style: chr10-100750825-G-C. GRCh37 (hg19) VCF-style: chr10-102510582-G-C.
Other names: c.437G>C, p.Arg146Pro (NM_001304569.2); c.344G>C, p.Arg115Pro (NM_003987.5, NM_003988.5, NM_003989.5 and 1 more transcripts); short protein forms R115P, R146P.
Identifiers: ClinVar variation 3602565 (VCV003602565.4).

ClinVar aggregate classification (germline): Conflicting classifications of pathogenicity. Review status: criteria provided, conflicting classifications (1 of 4 stars). 2 submissions from 2 submitters: Likely pathogenic (1); Uncertain significance (1). Last evaluated 2024-12-01.

Conditions:
Renal coloboma syndrome (PAPRS). Also called: COLOBOMA OF OPTIC NERVE WITH RENAL DISEASE; OPTIC COLOBOMA, VESICOURETERAL REFLUX, AND RENAL ANOMALIES; OPTIC NERVE COLOBOMA WITH RENAL DISEASE; PAPILLORENAL SYNDROME; RENAL-COLOBOMA SYNDROME WITH MACULAR ABNORMALITIES; PAPILLORENAL SYNDROME WITH MILD OCULAR ABNORMALITIES. Identifiers: Orphanet 1475, MedGen C1852759, MONDO:0007352, OMIM 120330.
Focal segmental glomerulosclerosis 7 (FSGS7). Identifiers: Orphanet 656, MedGen C4014925, MONDO:0014451, OMIM 616002.

Submissions (2):

Department of Pediatrics, Seoul National University Bundang Hospital
Classification: Likely pathogenic for Renal coloboma syndrome. Last evaluated: 2024-12-01. Review status: criteria provided, single submitter. Criteria: ACMG Guidelines, 2015. Collection method: clinical testing. Allele origin: unknown. Inheritance: Autosomal dominant inheritance. Observed: 1 variant allele.
Comment: The p.Arg115Pro is a missense variant and is regarded as likely pathogenic (PM1, PM2, PP3, PP5, according to ACMG criteria). It has been reported in the following publication (PMID: 32164334).

Labcorp Genetics (formerly Invitae), Labcorp
Classification: Uncertain significance for Renal coloboma syndrome; Focal segmental glomerulosclerosis 7. Last evaluated: 2024-07-19. Review status: criteria provided, single submitter. Criteria: Invitae Variant Classification Sherloc (09022015). Collection method: clinical testing. Allele origin: germline.
Comment: This sequence change replaces arginine, which is basic and polar, with proline, which is neutral and non-polar, at codon 115 of the PAX2 protein (p.Arg115Pro). This variant is not present in population databases (gnomAD no frequency). This missense change has been observed in individuals with renal coloboma syndrome (PMID: 30937553, 32164334). Experimental studies and prediction algorithms are not available or were not evaluated, and the functional significance of this variant is currently unknown. In summary, the available evidence is currently insufficient to determine the role of this variant in disease. Therefore, it has been classified as a Variant of Uncertain Significance.

Literature cited by the submitters: PubMed 32164334 (cited by Department of Pediatrics, Seoul National University Bundang Hospital and Labcorp Genetics (formerly Invitae), Labcorp); PubMed 30937553 (cited by Labcorp Genetics (formerly Invitae), Labcorp).